The following is an entry in ClinVar:

ClinVar aggregate classification (germline): Pathogenic. Review status: criteria provided, multiple submitters, no conflicts (2 of 4 stars). 2 submissions from 2 submitters: Pathogenic (2). Last evaluated 2025-09-02.

Conditions:
Angelman syndrome (AS). Also called: HAPPY PUPPET SYNDROME. Identifiers: Orphanet 72, MedGen C0162635, MONDO:0007113, OMIM 105830. Disease mechanism: loss of function. Inheritance: imprinting disorder, AS is caused by disruption of maternally imprinted UBE3A located within the 15q11.2-q13 Angelman syndrome/Prader-Willi syndrome (AS/PWS) region..

Submissions (2):

Labcorp Genetics (formerly Invitae), Labcorp
Classification: Pathogenic for Angelman syndrome. Last evaluated: 2025-09-02. Review status: criteria provided, single submitter. Criteria: Invitae Variant Classification Sherloc (09022015). Collection method: clinical testing. Allele origin: germline.
Comment: This sequence change creates a premature translational stop signal (p.Leu781Lysfs*43) in the UBE3A gene. While this is not anticipated to result in nonsense mediated decay, it is expected to disrupt the last 72 amino acid(s) of the UBE3A protein. This variant is not present in population databases (gnomAD no frequency). This premature translational stop signal has been observed in individual(s) with Angelman Syndrome (PMID: 19213023). In at least one individual the variant was observed to be de novo. This variant is also known as c.2336_2337dup4. ClinVar contains an entry for this variant (Variation ID: 212532). This variant disrupts a region of the UBE3A protein in which other variant(s) (p.Gly850Asp) have been determined to be pathogenic (PMID: 27620904). This suggests that this is a clinically significant region of the protein, and that variants that disrupt it are likely to be disease-causing. For these reasons, this variant has been classified as Pathogenic.

Genetic Services Laboratory, University of Chicago
Classification: Pathogenic for Angelman syndrome. Last evaluated: 2013-02-08. Review status: criteria provided, single submitter. Criteria: ACMG Guidelines, 2007. Collection method: clinical testing. Allele origin: germline. Affected: yes.

Literature cited by the submitters: PubMed 19213023 (cited by Labcorp Genetics (formerly Invitae), Labcorp); PubMed 27620904 (cited by Labcorp Genetics (formerly Invitae), Labcorp).

NM_130839.5(UBE3A):c.2397_2400dup (p.Leu801fs)

Genes: SNHG14 (small nucleolar RNA host gene 14; plus strand), UBE3A (ubiquitin protein ligase E3A; minus strand). Cytogenetic location: 15q11.2.
Variant type: Duplication.
Coding change: c.2397_2400dup on transcript NM_130839.5 (MANE Select); coding-DNA positions 2397 to 2400, 4 bases duplicated (AAGA; older notation c.2397_2400dupAAGA).
Protein change: p.Leu801fs; shifts the reading frame from leucine 801.
Molecular consequence: frameshift variant. On other transcripts: non-coding transcript variant (1).
Genome position (GRCh38, 1-based): chr15:25,340,183-25,340,186, TCTT duplicated on the plus strand (AAGA on the coding strand, the reverse complement: UBE3A is on the minus strand); duplicating any 4 consecutive bases within chr15:25,340,183-25,340,187 gives the same sequence; the c. name uses the placement nearest the transcript's 3' end. VCF-style (leftmost placement, unchanged base first): chr15-25340182-G-GTCTT. GRCh37 (hg19) VCF-style: chr15-25585329-G-GTCTT.
Other names: c.2406_2409dup, p.Leu804fs (NM_000462.5); c.2397_2400dup, p.Leu801fs (NM_001354505.1, NM_001354538.2); c.2337_2340dup, p.Leu781fs (NM_001354506.2, NM_001354507.2, NM_001354508.2 and 14 more transcripts); c.2241_2244dup, p.Leu749fs (NM_001354545.2); c.2220_2223dup, p.Leu742fs (NM_001354546.2); c.2181_2184dup, p.Leu729fs (NM_001354547.2, NM_001354548.2); c.2172_2175dup, p.Leu726fs (NM_001354549.2); c.1146_1149dup, p.Leu384fs (NM_001354550.2); and 1 more; short protein forms L726fs, L742fs, L364fs, L781fs, L384fs, L729fs, L749fs, L804fs.
Identifiers: ClinVar variation 212532 (VCV000212532.7), dbSNP rs797046086, ClinGen allele CA335650.
Genomic context (GRCh38, chr15:25,340,182, plus strand): 5'-TTAATTTTCCTAGTCCTCCCACAGGTGCTCTGTCTGTGCCCGTTGTAAACTGCAAGAAGA[G>GTCTT]TCTTTTCTGTTCATCTGTAAATGAATGAACGATTTCCCAGAACTCCCTAATGAGAAAAAA-3'